The following is an entry in ClinVar:

ClinVar aggregate classification (germline): Pathogenic (1 of 4 stars; one submission).

Conditions:
Very long chain acyl-CoA dehydrogenase deficiency (ACADVLD). Also called: Very Long-Chain Acyl-Coenzyme A Dehydrogenase Deficiency; VLCAD Deficiency. Identifiers: Orphanet 26793, MedGen C3887523, MONDO:0008723, OMIM 201475.

Allele frequency attached by ClinVar (database versions not stated): gnomAD exomes below 0.00001.
gnomAD v4.1: 1 of 1,614,104 alleles (0.000062%); highest among the groups gnomAD compares: South Asian, 0.0011%; no homozygotes.

Submission:

Labcorp Genetics (formerly Invitae), Labcorp
Classification: Pathogenic for Very long chain acyl-CoA dehydrogenase deficiency. Last evaluated: 2021-04-30. Review status: criteria provided, single submitter. Criteria: Invitae Variant Classification Sherloc (09022015). Collection method: clinical testing. Allele origin: germline.
Comment: For these reasons, this variant has been classified as Pathogenic. This variant has not been reported in the literature in individuals with ACADVL-related conditions. This variant is not present in population databases (ExAC no frequency). This sequence change creates a premature translational stop signal (p.Gln380*) in the ACADVL gene. It is expected to result in an absent or disrupted protein product. Loss-of-function variants in ACADVL are known to be pathogenic (PMID: 9973285, 11590124).

Literature cited by the submitters: PubMed 9973285; PubMed 11590124.

NM_000018.4(ACADVL):c.1138C>T (p.Gln380Ter)

Gene: ACADVL (acyl-CoA dehydrogenase very long chain; plus strand). Cytogenetic location: 17p13.1.
Variant type: single nucleotide variant.
Coding change: c.1138C>T on transcript NM_000018.4 (MANE Select); coding-DNA position 1138, C replaced by T.
Protein change: p.Gln380Ter; replaces glutamine 380 with a stop codon.
Molecular consequence: nonsense.
Genome position (GRCh38, 1-based): chr17:7,223,193, C>T. VCF-style: chr17-7223193-C-T. GRCh37 (hg19) VCF-style: chr17-7126512-C-T.
Other names: c.1072C>T, p.Gln358Ter (NM_001033859.3); c.1207C>T, p.Gln403Ter (NM_001270447.2); c.910C>T, p.Gln304Ter (NM_001270448.2); short protein forms Q380*, Q403*, Q304*, Q358*.
Identifiers: ClinVar variation 1391720 (VCV001391720.6), dbSNP rs781467053, ClinGen allele CA397724436.